The following is an entry in ClinVar:

ClinVar aggregate classification (germline): Uncertain significance. Review status: criteria provided, multiple submitters, no conflicts (2 of 4 stars). 6 submissions from 6 submitters: Uncertain significance (6). Last evaluated 2025-11-04.

Conditions:
Hereditary cancer-predisposing syndrome. Also called: Tumor predisposition; Neoplastic Syndromes, Hereditary; Hereditary Cancer Syndrome; Hereditary neoplastic syndrome. Identifiers: Orphanet 140162, MedGen C0027672, MeSH D009386, MONDO:0015356.
Hereditary diffuse gastric adenocarcinoma (HDGC). Also called: DIFFUSE GASTRIC AND LOBULAR BREAST CANCER SYNDROME. Identifiers: Orphanet 26106, MedGen C1708349, MONDO:0007648, OMIM 137215.
Familial cancer of breast. Also called: BREAST CANCER, FAMILIAL; hereditary breast carcinoma; Hereditary breast cancer. Identifiers: Orphanet 227535, MedGen C0346153, MONDO:0016419, OMIM 114480. Disease mechanism: loss of function.

Allele frequency attached by ClinVar (database versions not stated): TOPMed below 0.00001.

Submissions (6):

Ambry Genetics
Classification: Uncertain significance for Hereditary cancer-predisposing syndrome. Last evaluated: 2025-11-04. Review status: criteria provided, single submitter. Criteria: Ambry Variant Classification Scheme 2023. Collection method: clinical testing. Allele origin: germline.
Comment: The c.2647T>C variant (also known as p.*883QEXT*29), located in coding exon 16 of the CDH1 gene, results from a T to C substitution at nucleotide position 2647. The stop codon at position 883 is replaced by glutamine, resulting in an elongation of the protein by 29 amino acids (QGTRERRAPDPCAGKCRNHVAGGFSAPFP). This variant was detected as heterozygous in individuals with no reported features of CDH1-related diffuse gastric and lobular breast cancer (Ambry internal data). The exact functional impact of these added amino acids is unknown at this time. Based on the available evidence, the clinical significance of this variant remains unclear.

Labcorp Genetics (formerly Invitae), Labcorp
Classification: Uncertain significance for Hereditary diffuse gastric adenocarcinoma. Last evaluated: 2025-10-07. Review status: criteria provided, single submitter. Criteria: Invitae Variant Classification Sherloc (09022015). Collection method: clinical testing. Allele origin: germline.
Comment: This sequence change disrupts the translational stop signal of the CDH1 mRNA. It is expected to extend the length of the CDH1 protein by 29 additional amino acid residues. This variant is not present in population databases (gnomAD no frequency). This variant has not been reported in the literature in individuals affected with CDH1-related conditions. ClinVar contains an entry for this variant (Variation ID: 406638). Experimental studies and prediction algorithms are not available or were not evaluated, and the functional significance of this variant is currently unknown. In summary, the available evidence is currently insufficient to determine the role of this variant in disease. Therefore, it has been classified as a Variant of Uncertain Significance.

Baylor Genetics
Classification: Uncertain significance for Familial cancer of breast. Last evaluated: 2023-10-09. Review status: criteria provided, single submitter. Criteria: ACMG Guidelines, 2015. Collection method: clinical testing. Allele origin: unknown.

GeneDx
Classification: Uncertain significance. Last evaluated: 2023-06-13. Review status: criteria provided, single submitter. Criteria: GeneDx Variant Classification Process June 2021. Collection method: clinical testing. Allele origin: germline. Affected: yes.
Comment: Normal stop codon changed to a leucine codon, leading to the addition of 29 amino acids at the C-terminus; Not observed at significant frequency in large population cohorts (gnomAD); Has not been previously published as a pathogenic or benign germline variant to our knowledge; This variant is associated with the following publications: (PMID: 30311375, 15235021, 22850631)

Color Diagnostics, LLC DBA Color Health
Classification: Uncertain significance for Hereditary cancer-predisposing syndrome. Last evaluated: 2022-08-15. Review status: criteria provided, single submitter. Criteria: ACMG Guidelines, 2015. Collection method: clinical testing. Allele origin: germline.
Comment: This variant causes a T to C nucleotide substitution at nucleotide position 2647 and replaces the stop codon at position 883 with glutamine, resulting in an elongation of the protein by 29 amino acids. To our knowledge, functional studies have not been reported for this variant. This variant has not been reported in individuals affected with hereditary cancer in the literature. This variant has not been identified in the general population by the Genome Aggregation Database (gnomAD). The available evidence is insufficient to determine the role of this variant in disease conclusively. Therefore, this variant is classified as a Variant of Uncertain Significance.

Quest Diagnostics Nichols Institute San Juan Capistrano
Classification: Uncertain significance. Last evaluated: 2021-08-04. Review status: criteria provided, single submitter. Criteria: Quest Diagnostics criteria. Collection method: clinical testing. Allele origin: unknown.

NM_004360.5(CDH1):c.2647T>C (p.Ter883Gln)

Gene: CDH1 (cadherin 1; plus strand). Cytogenetic location: 16q22.1.
Variant type: single nucleotide variant.
Coding change: c.2647T>C on transcript NM_004360.5 (MANE Select); coding-DNA position 2647, T replaced by C.
Protein change: p.Ter883Gln.
Molecular consequence: stop lost.
Genome position (GRCh38, 1-based): chr16:68,833,497, T>C. VCF-style: chr16-68833497-T-C. GRCh37 (hg19) VCF-style: chr16-68867400-T-C.
Other names: *883Q; *228Q; *822Q; *367Q; c.2647T>C (LRG_301t1); c.2464T>C, p.Ter822Gln (NM_001317184.2); c.1099T>C, p.Ter367Gln (NM_001317185.2); c.682T>C, p.Ter228Gln (NM_001317186.2).
Identifiers: ClinVar variation 406638 (VCV000406638.27), dbSNP rs932491569, ClinGen allele CA16615002.